The following is an entry in ClinVar:

NM_003638.3(ITGA8):c.1344C>T (p.Ser448=)

Gene: ITGA8 (integrin subunit alpha 8; minus strand). Cytogenetic location: 10p13.
Variant type: single nucleotide variant.
Coding change: c.1344C>T on transcript NM_003638.3 (MANE Select); coding-DNA position 1344, C replaced by T.
Protein change: p.Ser448=; no amino-acid change (serine 448 retained).
Molecular consequence: synonymous variant.
Genome position (GRCh38, 1-based): chr10:15,644,085, G>A on the plus strand (C>T on the coding strand, the complement: ITGA8 is on the minus strand). VCF-style: chr10-15644085-G-A. GRCh37 (hg19) VCF-style: chr10-15686084-G-A.
Other names: c.1299C>T, p.Ser433= (NM_001291494.2).
Identifiers: ClinVar variation 5041145 (VCV005041145.1).

ClinVar aggregate classification (germline): Likely benign (1 of 4 stars; one submission).

gnomAD v4.1: 11 of 1,613,790 alleles (0.00068%); highest among the groups gnomAD compares: Middle Eastern, 0.016%; no homozygotes.

Submission:

CeGaT Center for Human Genetics Tuebingen
Classification: Likely benign. Last evaluated: 2026-10-01. Review status: criteria provided, single submitter. Criteria: CeGaT Center For Human Genetics Tuebingen Variant Classification Criteria Version 2. Collection method: clinical testing. Allele origin: germline. Affected: yes. Observed: 1 variant allele.
Comment: ITGA8: BP4, BP7